The following is an entry in ClinVar:

ClinVar aggregate classification (germline): Uncertain significance (1 of 4 stars; one submission).

Conditions:
Heterotopia, periventricular, X-linked dominant (PVNH1). Also called: PERIVENTRICULAR NODULAR HETEROTOPIA 4; HETEROTOPIA, PERIVENTRICULAR, 1; PERIVENTRICULAR NODULAR HETEROTOPIA 1; X-linked periventricular heterotopia. Identifiers: Orphanet 2149, Orphanet 82004, MedGen C1848213, MONDO:0010233, OMIM 300049.
Oto-palato-digital syndrome, type II (OPD2). Also called: Otopalatodigital Syndrome, Type II; FACIOPALATOOSSEOUS SYNDROME; OPD II SYNDROME; Otopalatodigital Syndrome Type 2 (FLNA-OPD2). Identifiers: Orphanet 669, Orphanet 90652, MedGen C1844696, MONDO:0010571, OMIM 304120.
Melnick-Needles syndrome (MNS). Also called: MELNICK-NEEDLES OSTEODYSPLASTY; OSTEODYSPLASTY OF MELNICK AND NEEDLES; Melnick-Needles Syndrome (FLNA-MNS). Identifiers: Orphanet 2484, MedGen C0025237, MONDO:0010650, OMIM 309350.
Frontometaphyseal dysplasia (FMD1). Identifiers: Orphanet 1826, MedGen C0265293, MONDO:0015942.

Submission:

Labcorp Genetics (formerly Invitae), Labcorp
Classification: Uncertain significance for Oto-palato-digital syndrome, type II; Heterotopia, periventricular, X-linked dominant; Frontometaphyseal dysplasia; Melnick-Needles syndrome. Last evaluated: 2025-08-03. Review status: criteria provided, single submitter. Criteria: Invitae Variant Classification Sherloc (09022015). Collection method: clinical testing. Allele origin: germline.
Comment: This sequence change replaces arginine, which is basic and polar, with proline, which is neutral and non-polar, at codon 437 of the FLNA protein (p.Arg437Pro). This variant is not present in population databases (gnomAD no frequency). This variant has not been reported in the literature in individuals affected with FLNA-related conditions. Invitae Evidence Modeling of protein sequence and biophysical properties (such as structural, functional, and spatial information, amino acid conservation, physicochemical variation, residue mobility, and thermodynamic stability) indicates that this missense variant is not expected to disrupt FLNA protein function with a negative predictive value of 95%. In summary, the available evidence is currently insufficient to determine the role of this variant in disease. Therefore, it has been classified as a Variant of Uncertain Significance.

NM_001110556.2(FLNA):c.1310G>C (p.Arg437Pro)

Gene: FLNA (filamin A; minus strand). Cytogenetic location: Xq28.
Variant type: single nucleotide variant.
Coding change: c.1310G>C on transcript NM_001110556.2 (MANE Select); coding-DNA position 1310, G replaced by C.
Protein change: p.Arg437Pro; replaces arginine 437 with proline.
Molecular consequence: missense variant.
Genome position (GRCh38, 1-based): chrX:154,366,143, C>G on the plus strand (G>C on the coding strand, the complement: FLNA is on the minus strand). VCF-style: chrX-154366143-C-G. GRCh37 (hg19) VCF-style: chrX-153594511-C-G.
Other names: c.1310G>C, p.Arg437Pro (NM_001456.4); short protein forms R437P.
Identifiers: ClinVar variation 4789603 (VCV004789603.1).